The following is an entry in ClinVar:

ClinVar aggregate classification (germline): Uncertain significance. Review status: criteria provided, multiple submitters, no conflicts (2 of 4 stars). 3 submissions from 3 submitters: Uncertain significance (3). Last evaluated 2026-01-09.

Conditions:
Combined immunodeficiency due to CTPS1 deficiency. Also called: Immunodeficiency 24; Severe combined immunodeficiency due to CTPS1 deficiency. Identifiers: Orphanet 420573, MedGen C4014617, MONDO:0014391, OMIM 615897.

Allele frequency attached by ClinVar (database versions not stated): gnomAD exomes 0.00001; ExAC 0.00002; gnomAD 0.00003; TOPMed 0.00003.
gnomAD v4.1: 55 of 1,612,140 alleles (0.0034%); highest among the groups gnomAD compares: Middle Eastern, 0.099%; no homozygotes.

Submissions (3):

Women's Health and Genetics/Laboratory Corporation of America, LabCorp
Classification: Uncertain significance. Last evaluated: 2026-01-09. Review status: criteria provided, single submitter. Criteria: LabCorp Variant Classification Summary - May 2015. Collection method: clinical testing. Allele origin: germline.
Comment: Variant summary: CTPS1 c.1769A>G (p.His590Arg) results in a non-conservative amino acid change in the encoded protein sequence. Algorithms developed to predict the effect of missense changes on protein structure and function are either unavailable or do not agree on the potential impact of this missense change. The variant allele was found at a frequency of 1.2e-05 in 251382 control chromosomes. The available data on variant occurrences in the general population are insufficient to allow any conclusion about variant significance. To our knowledge, no occurrence of c.1769A>G in individuals affected with CTPS1-related conditions and no experimental evidence demonstrating its impact on protein function have been reported. ClinVar contains an entry for this variant (Variation ID: 1005750). Based on the evidence outlined above, the variant was classified as uncertain significance.

Labcorp Genetics (formerly Invitae), Labcorp
Classification: Uncertain significance for Combined immunodeficiency due to CTPS1 deficiency. Last evaluated: 2022-07-24. Review status: criteria provided, single submitter. Criteria: Invitae Variant Classification Sherloc (09022015). Collection method: clinical testing. Allele origin: germline.
Comment: This sequence change replaces histidine, which is basic and polar, with arginine, which is basic and polar, at codon 590 of the CTPS1 protein (p.His590Arg). This variant is present in population databases (rs755468825, gnomAD 0.006%). This variant has not been reported in the literature in individuals affected with CTPS1-related conditions. ClinVar contains an entry for this variant (Variation ID: 1005750). Algorithms developed to predict the effect of missense changes on protein structure and function (SIFT, PolyPhen-2, Align-GVGD) all suggest that this variant is likely to be tolerated. Algorithms developed to predict the effect of sequence changes on RNA splicing suggest that this variant may create or strengthen a splice site. In summary, the available evidence is currently insufficient to determine the role of this variant in disease. Therefore, it has been classified as a Variant of Uncertain Significance.

Ambry Genetics
Classification: Uncertain significance. Last evaluated: 2021-09-16. Review status: criteria provided, single submitter. Criteria: Ambry Variant Classification Scheme 2023. Collection method: clinical testing. Allele origin: germline.

NM_001905.4(CTPS1):c.1769A>G (p.His590Arg)

Gene: CTPS1 (CTP synthase 1; plus strand). Cytogenetic location: 1p34.2.
Variant type: single nucleotide variant.
Coding change: c.1769A>G on transcript NM_001905.4 (MANE Select); coding-DNA position 1769, A replaced by G.
Protein change: p.His590Arg; replaces histidine 590 with arginine.
Molecular consequence: missense variant. On other transcripts: non-coding transcript variant (1).
Genome position (GRCh38, 1-based): chr1:41,010,238, A>G. VCF-style: chr1-41010238-A-G. GRCh37 (hg19) VCF-style: chr1-41475910-A-G.
Other names: c.1769A>G (NM_001905.2); c.1301A>G, p.His434Arg (NM_001301237.2); short protein forms H434R, H590R.
Identifiers: ClinVar variation 1005750 (VCV001005750.7), dbSNP rs755468825, ClinGen allele CA795619.